The following is an entry in ClinVar:

NM_022168.4(IFIH1):c.376G>A (p.Val126Met)

Gene: IFIH1 (interferon induced with helicase C domain 1; minus strand). Cytogenetic location: 2q24.2.
Variant type: single nucleotide variant.
Coding change: c.376G>A on transcript NM_022168.4 (MANE Select); coding-DNA position 376, G replaced by A.
Protein change: p.Val126Met; replaces valine 126 with methionine.
Molecular consequence: missense variant.
Genome position (GRCh38, 1-based): chr2:162,317,932, C>T on the plus strand (G>A on the coding strand, the complement: IFIH1 is on the minus strand). VCF-style: chr2-162317932-C-T. GRCh37 (hg19) VCF-style: chr2-163174442-C-T.
Other names: short protein forms V126M.
Identifiers: ClinVar variation 1479971 (VCV001479971.7), dbSNP rs143910264, ClinGen allele CA1934843.

ClinVar aggregate classification (germline): Uncertain significance. Review status: criteria provided, multiple submitters, no conflicts (2 of 4 stars). 2 submissions from 2 submitters: Uncertain significance (2). Last evaluated 2025-06-04.

Conditions:
Singleton-Merten syndrome 1 (SGMRT1). Also called: Widened medullary cavities of bone, aortic calcification, abnormal dentition, and muscular weakness; Syndrome of widened medullary cavities of the metacarpals and phalanges, aortic calcification and abnormal dentition. Identifiers: Orphanet 85191, MedGen C4225427, MONDO:0024535, OMIM 182250.
Aicardi-Goutieres syndrome 7 (AGS7). Identifiers: Orphanet 51, MedGen C3888244, MONDO:0014367, OMIM 615846.

Allele frequency attached by ClinVar (database versions not stated): gnomAD exomes below 0.00001 and 0.00001; ExAC 0.00002; ESP Exome Variant Server 0.00008.
gnomAD v4.1: 6 of 1,614,040 alleles (0.00037%); highest among the groups gnomAD compares: Non-Finnish European, 0.00051%; no homozygotes.

Submissions (2):

Labcorp Genetics (formerly Invitae), Labcorp
Classification: Uncertain significance for Aicardi-Goutieres syndrome 7; Singleton-Merten syndrome 1. Last evaluated: 2025-06-04. Review status: criteria provided, single submitter. Criteria: Invitae Variant Classification Sherloc (09022015). Collection method: clinical testing. Allele origin: germline.
Comment: This sequence change replaces valine, which is neutral and non-polar, with methionine, which is neutral and non-polar, at codon 126 of the IFIH1 protein (p.Val126Met). This variant is present in population databases (rs143910264, gnomAD 0.002%). This variant has not been reported in the literature in individuals affected with IFIH1-related conditions. ClinVar contains an entry for this variant (Variation ID: 1479971). Invitae Evidence Modeling of protein sequence and biophysical properties (such as structural, functional, and spatial information, amino acid conservation, physicochemical variation, residue mobility, and thermodynamic stability) has been performed for this missense variant. However, the output from this modeling did not meet the statistical confidence thresholds required to predict the impact of this variant on IFIH1 protein function. In summary, the available evidence is currently insufficient to determine the role of this variant in disease. Therefore, it has been classified as a Variant of Uncertain Significance.

Blueprint Genetics
Classification: Uncertain significance. Last evaluated: 2023-09-04. Review status: criteria provided, single submitter. Criteria: ACMG Guidelines, 2015. Collection method: clinical testing. Allele origin: germline.